The following is an entry in ClinVar:

ClinVar aggregate classification (germline): Likely benign (1 of 4 stars; one submission).

Submission:

CeGaT Center for Human Genetics Tuebingen
Classification: Likely benign. Last evaluated: 2025-01-01. Review status: criteria provided, single submitter. Criteria: CeGaT Center For Human Genetics Tuebingen Variant Classification Criteria Version 2. Collection method: clinical testing. Allele origin: germline. Affected: yes. Observed: 1 variant allele.
Comment: C4A: BP4, BP7

NM_007293.3(C4A):c.4098C>T (p.Ile1366=)

Gene: C4A (complement C4A (Chido/Rodgers blood group); plus strand). Cytogenetic location: 6p21.33.
Variant type: single nucleotide variant.
Coding change: c.4098C>T on transcript NM_007293.3 (MANE Select); coding-DNA position 4098, C replaced by T.
Protein change: p.Ile1366=; no amino-acid change (isoleucine 1366 retained).
Molecular consequence: synonymous variant.
Genome position (GRCh38, 1-based): chr6:31,997,725, C>T. VCF-style: chr6-31997725-C-T. GRCh37 (hg19) VCF-style: chr6-31965502-C-T.
Other names: c.4098C>T, p.Ile1366= (NM_001252204.2).
Identifiers: ClinVar variation 3771047 (VCV003771047.13).